The following is an entry in ClinVar:

ClinVar aggregate classification (germline): Likely benign. Review status: criteria provided, single submitter (1 of 4 stars). 2 submissions from 2 submitters: Likely benign (1). 1 of the submissions does not count toward it. Last evaluated 2024-06-13.

Conditions:
WDR62-related disorder. Also called: WDR62-related condition.

Allele frequency attached by ClinVar (database versions not stated): gnomAD exomes 0.00001; ExAC 0.00002; gnomAD 0.00003; TOPMed 0.00003; ESP Exome Variant Server 0.00008.
gnomAD v4.1: 15 of 1,614,064 alleles (0.00093%); highest among the groups gnomAD compares: African/African-American, 0.008%; no homozygotes.

Submissions (2):

Labcorp Genetics (formerly Invitae), Labcorp
Classification: Likely benign. Last evaluated: 2024-06-13. Review status: criteria provided, single submitter. Criteria: Invitae Variant Classification Sherloc (09022015). Collection method: clinical testing. Allele origin: germline.

PreventionGenetics, part of Exact Sciences
Classification: Likely benign for WDR62-related condition. Last evaluated: 2022-12-19. Review status: no assertion criteria provided. Collection method: clinical testing. Allele origin: germline. Not counted in ClinVar's aggregate classification.
Comment: This variant is classified as likely benign based on ACMG/AMP sequence variant interpretation guidelines (Richards et al. 2015 PMID: 25741868, with internal and published modifications).

NM_001083961.2(WDR62):c.3132C>T (p.Ser1044=)

Gene: WDR62 (WD repeat domain 62; plus strand). Cytogenetic location: 19q13.12.
Variant type: single nucleotide variant.
Coding change: c.3132C>T on transcript NM_001083961.2 (MANE Select); coding-DNA position 3132, C replaced by T.
Protein change: p.Ser1044=; no amino-acid change (serine 1044 retained).
Molecular consequence: synonymous variant. On other transcripts: intron variant (1).
Genome position (GRCh38, 1-based): chr19:36,102,063, C>T. VCF-style: chr19-36102063-C-T. GRCh37 (hg19) VCF-style: chr19-36592965-C-T.
Other names: c.3117C>T, p.Ser1039= (NM_001411145.1); c.2781C>T, p.Ser927= (NM_001411147.1); c.3132C>T, p.Ser1044= (NM_173636.5); c.2972-674C>T (NM_001411146.1).
Identifiers: ClinVar variation 3047362 (VCV003047362.4), dbSNP rs377332105, ClinGen allele CA9396164.
Genomic context (GRCh38, chr19:36,102,063, plus strand): 5'-TTCCCTGTCAGGATGCGCAGGTCCCACAGAAGATGAGCTGTCCCTGCCCGAGGGACCCAG[C>T]GTCCCCAGCAGCTCCCTACCCCAGACTCCGGAGCAGGAGAAGTTCCTCCGCCACCACTTT-3'
Protein context (NP_001077430.1, residues 1034-1054): EDELSLPEGP[Ser1044=]VPSSSLPQTP